The following is an entry in ClinVar:

NM_020207.7(ERCC6L2):c.131T>G (p.Val44Gly)

Gene: ERCC6L2 (ERCC excision repair 6 like 2; plus strand). Cytogenetic location: 9q22.32.
Variant type: single nucleotide variant.
Coding change: c.131T>G on transcript NM_020207.7 (MANE Select); coding-DNA position 131, T replaced by G.
Protein change: p.Val44Gly; replaces valine 44 with glycine.
Molecular consequence: missense variant. On other transcripts: non-coding transcript variant (1).
Genome position (GRCh38, 1-based): chr9:95,880,953, T>G. VCF-style: chr9-95880953-T-G. GRCh37 (hg19) VCF-style: chr9-98643235-T-G.
Other names: c.131T>G, p.Val44Gly (NM_001010895.4, NM_001375291.1, NM_001375292.1 and 2 more transcripts); short protein forms V44G.
Identifiers: ClinVar variation 4019248 (VCV004019248.1).

ClinVar aggregate classification (germline): Uncertain significance (1 of 4 stars; one submission).

Conditions:
Inborn genetic diseases. Identifiers: MedGen C0950123, MeSH D030342.

Submission:

Ambry Genetics
Classification: Uncertain significance for Inborn genetic diseases. Last evaluated: 2025-03-18. Review status: criteria provided, single submitter. Criteria: Ambry Variant Classification Scheme 2023. Collection method: clinical testing. Allele origin: germline.
Comment: The p.V44G variant (also known as c.131T>G), located in coding exon 2 of the ERCC6L2 gene, results from a T to G substitution at nucleotide position 131. The valine at codon 44 is replaced by glycine, an amino acid with dissimilar properties. This amino acid position is conserved. In addition, the in silico prediction for this alteration is inconclusive. Based on the available evidence, the clinical significance of this variant remains unclear.